The following is an entry in ClinVar:

ClinVar aggregate classification (germline): Uncertain significance. Review status: criteria provided, multiple submitters, no conflicts (2 of 4 stars). 2 submissions from 2 submitters: Uncertain significance (2). Last evaluated 2026-01-21.

Conditions:
Early-infantile DEE. Also called: Early infantile epileptic encephalopathy with suppression bursts; Ohtahara syndrome; Early infantile epileptic encephalopathy. Identifiers: Orphanet 1934, MedGen C0393706, MONDO:0800491.

gnomAD v4.1: 8 of 1,324,782 alleles (0.0006%); highest among the groups gnomAD compares: African/African-American, 0.0047%; no homozygotes.

Submissions (2):

Labcorp Genetics (formerly Invitae), Labcorp
Classification: Uncertain significance for Early-infantile DEE. Last evaluated: 2026-01-21. Review status: criteria provided, single submitter. Criteria: Invitae Variant Classification Sherloc (09022015). Collection method: clinical testing. Allele origin: germline.
Comment: This sequence change replaces proline, which is neutral and non-polar, with glutamine, which is neutral and polar, at codon 43 of the HCN1 protein (p.Pro43Gln). This variant is not present in population databases (gnomAD no frequency). This variant has not been reported in the literature in individuals affected with HCN1-related conditions. ClinVar contains an entry for this variant (Variation ID: 2767656). Invitae Evidence Modeling of protein sequence and biophysical properties (such as structural, functional, and spatial information, amino acid conservation, physicochemical variation, residue mobility, and thermodynamic stability) indicates that this missense variant is not expected to disrupt HCN1 protein function with a negative predictive value of 95%. In summary, the available evidence is currently insufficient to determine the role of this variant in disease. Therefore, it has been classified as a Variant of Uncertain Significance.

Blueprint Genetics
Classification: Uncertain significance. Last evaluated: 2023-01-31. Review status: criteria provided, single submitter. Criteria: ACMG Guidelines, 2015. Collection method: clinical testing. Allele origin: germline.

NM_021072.4(HCN1):c.128C>A (p.Pro43Gln)

Gene: HCN1 (hyperpolarization activated cyclic nucleotide gated potassium channel 1; minus strand). Cytogenetic location: 5p12.
Variant type: single nucleotide variant.
Coding change: c.128C>A on transcript NM_021072.4 (MANE Select); coding-DNA position 128, C replaced by A.
Protein change: p.Pro43Gln; replaces proline 43 with glutamine.
Molecular consequence: missense variant.
Genome position (GRCh38, 1-based): chr5:45,695,966, G>T on the plus strand (C>A on the coding strand, the complement: HCN1 is on the minus strand). VCF-style: chr5-45695966-G-T. GRCh37 (hg19) VCF-style: chr5-45696068-G-T.
Other names: short protein forms P43Q.
Identifiers: ClinVar variation 2767656 (VCV002767656.4), dbSNP rs1060500095, ClinGen allele CA359706690.